The following is an entry in ClinVar:

NC_000001.10:g.(120529706_120539619)_(120548212_120572528)dup

Gene: NOTCH2 (notch receptor 2; minus strand). Cytogenetic location: 1p12.
Variant type: Duplication.
Identifiers: ClinVar variation 2445848 (VCV002445848.1).

ClinVar aggregate classification (germline): Uncertain significance (1 of 4 stars; one submission).

Submission:

Women's Health and Genetics/Laboratory Corporation of America, LabCorp
Classification: Uncertain significance. Last evaluated: 2023-02-02. Review status: criteria provided, single submitter. Criteria: LabCorp Variant Classification Summary - May 2015. Collection method: clinical testing. Allele origin: germline.
Comment: Variant summary: The variant identified by MLPA or other technology involves the duplication of exons 3-4 in the NOTCH2 gene. A presumed nomenclature of c.(155+1_156-1)_(751+1_752-1)dup has been designated for the purposes of this classification. It has been assumed that this is a tandem duplication in direct orientation (Richardson_GIM_2018, Newman_AJHG_2015). Although exact breakpoints of this duplication are not known, it is expected to result in a frameshift in the NOTCH2 gene. The variant was absent in 21694 control chromosomes (gnomAD, Structural Variants dataset). The available data on variant occurrences in the general population are insufficient to allow any conclusion about variant significance. An exon 3-4 duplication has been reported in the literature in an individual with a phenotype of macrocephaly, arthrogryposis multiplex, rhizomelic shortening of the limbs and rocker bottom feet (Elmas_2020). These data do not allow any conclusion about variant significance. To our knowledge, no experimental evidence demonstrating an impact on protein function has been reported. No submitters have provided clinical-significance assessments for this variant to ClinVar after 2014. Based on the evidence outlined above, the variant was classified as uncertain significance.